The following is an entry in ClinVar:

NM_000111.3(SLC26A3):c.653C>T (p.Ala218Val)

Gene: SLC26A3 (solute carrier family 26 member 3; minus strand). Cytogenetic location: 7q22.3.
Variant type: single nucleotide variant.
Coding change: c.653C>T on transcript NM_000111.3 (MANE Select); coding-DNA position 653, C replaced by T.
Protein change: p.Ala218Val; replaces alanine 218 with valine.
Molecular consequence: missense variant.
Genome position (GRCh38, 1-based): chr7:107,789,606, G>A on the plus strand (C>T on the coding strand, the complement: SLC26A3 is on the minus strand). VCF-style: chr7-107789606-G-A. GRCh37 (hg19) VCF-style: chr7-107430051-G-A.
Other names: short protein forms A218V.
Identifiers: ClinVar variation 4823038 (VCV004823038.4).

ClinVar aggregate classification (germline): Uncertain significance (1 of 4 stars; one submission).

Submission:

CeGaT Center for Human Genetics Tuebingen
Classification: Uncertain significance. Last evaluated: 2026-01-01. Review status: criteria provided, single submitter. Criteria: CeGaT Center For Human Genetics Tuebingen Variant Classification Criteria Version 2. Collection method: clinical testing. Allele origin: germline. Affected: yes. Observed: 2 variant alleles.
Comment: SLC26A3: PM2, PM3